The following is an entry in ClinVar:

ClinVar aggregate classification (germline): Benign/Likely benign. Review status: criteria provided, multiple submitters, no conflicts (2 of 4 stars). 5 submissions from 5 submitters: Benign (1); Likely benign (4). Last evaluated 2026-04-01.

Conditions:
COG7 congenital disorder of glycosylation (CDG2E). Also called: CONGENITAL DISORDER OF GLYCOSYLATION, TYPE IIe; CDG IIe. Identifiers: Orphanet 79333, MedGen C2931010, MONDO:0012118, OMIM 608779.

Allele frequency attached by ClinVar (database versions not stated): 1000 Genomes Project 30x 0.00312; TOPMed 0.00326; gnomAD 0.00330 and 0.00310; ESP Exome Variant Server 0.00354; gnomAD exomes 0.00025 and 0.00072; ExAC 0.00096; 1000 Genomes Project 0.00300.
gnomAD v4.1: 863 of 1,614,166 alleles (0.053%); highest among the groups gnomAD compares: African/African-American, 1%; 2 homozygotes.

Submissions (5):

CeGaT Center for Human Genetics Tuebingen
Classification: Likely benign. Last evaluated: 2026-04-01. Review status: criteria provided, single submitter. Criteria: CeGaT Center For Human Genetics Tuebingen Variant Classification Criteria Version 2. Collection method: clinical testing. Allele origin: germline. Affected: yes. Observed: 1 variant allele.
Comment: COG7: BP4, BS1

Labcorp Genetics (formerly Invitae), Labcorp
Classification: Benign for COG7 congenital disorder of glycosylation. Last evaluated: 2026-01-29. Review status: criteria provided, single submitter. Criteria: Invitae Variant Classification Sherloc (09022015). Collection method: clinical testing. Allele origin: germline.

Blueprint Genetics
Classification: Likely benign. Last evaluated: 2024-10-18. Review status: criteria provided, single submitter. Criteria: ACMG Guidelines, 2015. Collection method: clinical testing. Allele origin: germline.

GeneDx
Classification: Likely benign. Last evaluated: 2018-02-16. Review status: criteria provided, single submitter. Criteria: GeneDx Variant Classification (06012015). Collection method: clinical testing. Allele origin: germline. Affected: yes.
Comment: This variant is considered likely benign or benign based on one or more of the following criteria: it is a conservative change, it occurs at a poorly conserved position in the protein, it is predicted to be benign by multiple in silico algorithms, and/or has population frequency not consistent with disease.

Illumina Laboratory Services, Illumina
Classification: Likely benign for COG7 congenital disorder of glycosylation. Last evaluated: 2018-01-13. Review status: criteria provided, single submitter. Criteria: ICSL Variant Classification Criteria 13 December 2019. Collection method: clinical testing. Allele origin: germline.
Comment: This variant was observed in the ICSL laboratory as part of a predisposition screen in an ostensibly healthy population. It had not been previously curated by ICSL or reported in the Human Gene Mutation Database (HGMD: prior to June 1st, 2018), and was therefore a candidate for classification through an automated scoring system. Utilizing variant allele frequency, disease prevalence and penetrance estimates, and inheritance mode, an automated score was calculated to assess if this variant is too frequent to cause the disease. Based on the score and internal cut-off values, a variant classified as likely benign is not then subjected to further curation. The score for this variant resulted in a classification of likely benign for this disease.

NM_153603.4(COG7):c.534G>A (p.Glu178=)

Gene: COG7 (component of oligomeric golgi complex 7; minus strand). Cytogenetic location: 16p12.2.
Variant type: single nucleotide variant.
Coding change: c.534G>A on transcript NM_153603.4 (MANE Select); coding-DNA position 534, G replaced by A.
Protein change: p.Glu178=; no amino-acid change (glutamic acid 178 retained).
Molecular consequence: synonymous variant.
Genome position (GRCh38, 1-based): chr16:23,442,547, C>T on the plus strand (G>A on the coding strand, the complement: COG7 is on the minus strand). VCF-style: chr16-23442547-C-T. GRCh37 (hg19) VCF-style: chr16-23453868-C-T.
Identifiers: ClinVar variation 382457 (VCV000382457.18), dbSNP rs80204521, ClinGen allele CA7961280.